The following is an entry in ClinVar:

ClinVar aggregate classification (germline): Benign/Likely benign. Review status: criteria provided, multiple submitters, no conflicts (2 of 4 stars). 2 submissions from 2 submitters: Benign (1); Likely benign (1). Last evaluated 2025-08-07.

Allele frequency attached by ClinVar (database versions not stated): gnomAD 0.00034; ESP Exome Variant Server 0.00039; 1000 Genomes Project 0.00040; gnomAD exomes 0.00005; ExAC 0.00012; 1000 Genomes Project 30x 0.00031; TOPMed 0.00032.
gnomAD v4.1: 121 of 1,611,380 alleles (0.0075%); highest among the groups gnomAD compares: African/African-American, 0.11%; no homozygotes.

Submissions (2):

Labcorp Genetics (formerly Invitae), Labcorp
Classification: Benign. Last evaluated: 2025-08-07. Review status: criteria provided, single submitter. Criteria: Invitae Variant Classification Sherloc (09022015). Collection method: clinical testing. Allele origin: germline.

Women's Health and Genetics/Laboratory Corporation of America, LabCorp
Classification: Likely benign. Last evaluated: 2024-12-26. Review status: criteria provided, single submitter. Criteria: LabCorp Variant Classification Summary - May 2015. Collection method: clinical testing. Allele origin: germline.
Comment: Variant summary: WNK4 c.3593G>A (p.Arg1198His) results in a non-conservative amino acid change in the encoded protein sequence. Five of five in-silico tools predict a damaging effect of the variant on protein function. The variant allele was found at a frequency of 0.00011 in 240070 control chromosomes, predominantly at a frequency of 0.0014 within the African or African-American subpopulation in the gnomAD database. The observed variant frequency within African or African-American control individuals in the gnomAD database exceeds the estimated maximal expected allele frequency for a pathogenic variant in WNK4 causing Pseudohypoaldosteronism Type 2B phenotype. To our knowledge, no occurrence of c.3593G>A in individuals affected with Pseudohypoaldosteronism Type 2B and no experimental evidence demonstrating its impact on protein function have been reported. ClinVar contains an entry for this variant (Variation ID: 2064387). Based on the evidence outlined above, the variant was classified as likely benign.

NM_032387.5(WNK4):c.3593G>A (p.Arg1198His)

Gene: WNK4 (WNK lysine deficient protein kinase 4; plus strand). Cytogenetic location: 17q21.2.
Variant type: single nucleotide variant.
Coding change: c.3593G>A on transcript NM_032387.5 (MANE Select); coding-DNA position 3593, G replaced by A.
Protein change: p.Arg1198His; replaces arginine 1198 with histidine.
Molecular consequence: missense variant.
Genome position (GRCh38, 1-based): chr17:42,796,284, G>A. VCF-style: chr17-42796284-G-A. GRCh37 (hg19) VCF-style: chr17-40948302-G-A.
Other names: c.2585G>A, p.Arg862His (NM_001321299.2); c.3593G>A (NM_032387.4); short protein forms R1198H, R862H.
Identifiers: ClinVar variation 2064387 (VCV002064387.6), dbSNP rs61755632, ClinGen allele CA8584636.
Genomic context (GRCh38, chr17:42,796,284, plus strand): 5'-CAGCTGCTATGCTGTCCAGCCGCCAGCGCCGCCTCTCCAAGGGCAGCTTCCCCACCTCCC[G>A]CCGCAACAGCCTACAGCGCTCTGAGCCCCCAGGCCCTGGTGAGACTGCAGTCACCCAGCT-3'
Protein context (NP_115763.2, residues 1188-1208): RLSKGSFPTS[Arg1198His]RNSLQRSEPP